The following is an entry in ClinVar:

NM_000142.5(FGFR3):c.1346C>T (p.Pro449Leu)

Gene: FGFR3 (fibroblast growth factor receptor 3; plus strand). Cytogenetic location: 4p16.3.
Variant type: single nucleotide variant.
Coding change: c.1346C>T on transcript NM_000142.5 (MANE Select); coding-DNA position 1346, C replaced by T.
Protein change: p.Pro449Leu; replaces proline 449 with leucine.
Molecular consequence: missense variant. On other transcripts: non-coding transcript variant (1).
Genome position (GRCh38, 1-based): chr4:1,804,903, C>T. VCF-style: chr4-1804903-C-T. GRCh37 (hg19) VCF-style: chr4-1806630-C-T.
Other names: c.1352C>T, p.Pro451Leu (NM_001163213.2); c.1349C>T, p.Pro450Leu (NM_001354809.2, NM_001354810.2); c.1010C>T, p.Pro337Leu (NM_022965.4); short protein forms P450L, P449L, P451L, P337L.
Identifiers: ClinVar variation 3673450 (VCV003673450.4).

ClinVar aggregate classification (germline): Uncertain significance. Review status: criteria provided, multiple submitters, no conflicts (2 of 4 stars). 3 submissions from 3 submitters: Uncertain significance (3). Last evaluated 2026-06-23.

Conditions:
FGFR3-related chondrodysplasia. Identifiers: Orphanet 93420, MedGen C5681604, MONDO:0019685.

gnomAD v4.1: 7 of 1,549,996 alleles (0.00045%); highest among the groups gnomAD compares: Non-Finnish European, 0.00061%; no homozygotes.

Submissions (3):

Genomenon, Inc
Classification: Uncertain significance for FGFR3-related chondrodysplasia. Last evaluated: 2026-06-23. Review status: criteria provided, single submitter. Criteria: Genomenon Sequence Variant Interpretation Standards - Updated. Collection method: curation. Allele origin: germline. Affected: no.
Comment: FGFR3 p.Pro449Leu (c.1346C>T) is a missense variant that changes the amino acid at codon 449 from Proline to Leucine. This variant has been reported in the published literature (PMID:15863034). It is absent or not present at a significant frequency in gnomAD. In conclusion, we classify FGFR3 p.Pro449Leu (c.1346C>T) as a variant of uncertain significance.

GeneDx
Classification: Uncertain significance. Last evaluated: 2025-04-25. Review status: criteria provided, single submitter. Criteria: GeneDx Variant Classification Process June 2021. Collection method: clinical testing. Allele origin: germline. Affected: yes.
Comment: Not observed at significant frequency in large population cohorts (gnomAD); In silico analysis supports that this missense variant has a deleterious effect on protein structure/function; This variant is associated with the following publications: (PMID: 15863034)

Labcorp Genetics (formerly Invitae), Labcorp
Classification: Uncertain significance. Last evaluated: 2024-07-21. Review status: criteria provided, single submitter. Criteria: Invitae Variant Classification Sherloc (09022015). Collection method: clinical testing. Allele origin: germline.
Comment: This sequence change replaces proline, which is neutral and non-polar, with leucine, which is neutral and non-polar, at codon 449 of the FGFR3 protein (p.Pro449Leu). This variant is not present in population databases (gnomAD no frequency). This variant has not been reported in the literature in individuals affected with FGFR3-related conditions. Advanced modeling of protein sequence and biophysical properties (such as structural, functional, and spatial information, amino acid conservation, physicochemical variation, residue mobility, and thermodynamic stability) has been performed at Invitae for this missense variant, however the output from this modeling did not meet the statistical confidence thresholds required to predict the impact of this variant on FGFR3 protein function. In summary, the available evidence is currently insufficient to determine the role of this variant in disease. Therefore, it has been classified as a Variant of Uncertain Significance.

Literature cited by the submitters: PubMed 15863034 (cited by Genomenon, Inc).